The following is an entry in ClinVar:

NM_001172303.3(MASTL):c.2629T>C (p.Phe877Leu)

Genes: ACBD5 (acyl-CoA binding domain containing 5; minus strand), MASTL (microtubule associated serine/threonine kinase like; plus strand). Cytogenetic location: 10p12.1.
Variant type: single nucleotide variant.
Coding change: c.2629T>C on transcript NM_001172303.3 (MANE Select); coding-DNA position 2629, T replaced by C.
Protein change: p.Phe877Leu; replaces phenylalanine 877 with leucine.
Molecular consequence: missense variant. On other transcripts: non-coding transcript variant (1), intron variant (1).
Genome position (GRCh38, 1-based): chr10:27,186,525, T>C. VCF-style: chr10-27186525-T-C. GRCh37 (hg19) VCF-style: chr10-27475454-T-C.
Other names: c.2512T>C, p.Phe838Leu (NM_001172304.3); c.2641T>C, p.Phe881Leu (NM_001320756.2); c.2644T>C, p.Phe882Leu (NM_001320757.2); c.2161T>C, p.Phe721Leu (NM_001372029.1); c.2146T>C, p.Phe716Leu (NM_001372030.1); c.2626T>C, p.Phe876Leu (NM_032844.5); c.1566-2210A>G (NM_001352570.1); short protein forms F716L, F721L, F838L, F876L, F877L, F881L, F882L.
Identifiers: ClinVar variation 2630321 (VCV002630321.1), dbSNP rs2539969168, ClinGen allele CA376371480.

ClinVar aggregate classification (germline): Uncertain significance (1 of 4 stars; one submission).

Conditions:
MASTL-related disorder. Also called: MASTL-related condition.

Submission:

PreventionGenetics, part of Exact Sciences
Classification: Uncertain significance for MASTL-related condition. Last evaluated: 2023-03-01. Review status: criteria provided, single submitter. Criteria: ACMG Guidelines, 2015. Collection method: clinical testing. Allele origin: germline.
Comment: The MASTL c.2626T>C variant is predicted to result in the amino acid substitution p.Phe876Leu. To our knowledge, this variant has not been reported in the literature or in a large population database, indicating this variant is rare. At this time, the clinical significance of this variant is uncertain due to the absence of conclusive functional and genetic evidence.